The following is an entry in ClinVar:

ClinVar aggregate classification (germline): Likely benign. Review status: reviewed by expert panel (3 of 4 stars). 3 submissions from 3 submitters: Likely benign (1). 2 of the submissions do not count toward it. Last evaluated 2021-01-12.

Conditions:
Hereditary thrombocytopenia and hematological cancer predisposition syndrome associated with RUNX1. Also called: PLATELET DISORDER, ASPIRIN-LIKE; Familial Platelet Disorder with Propensity to Acute Myelogenous Leukemia; Familial thrombocytopenia with propensity to acute myelogenous leukemia; RUNX1 Familial Platelet Disorder with Associated Myeloid Malignancies. Identifiers: Orphanet 71290, MedGen C1832388, MeSH C563324, MONDO:0100083, OMIM 601399.
Hereditary thrombocytopenia and hematologic cancer predisposition syndrome. Identifiers: Orphanet 71290, MedGen CN281654, MONDO:0011071.
Inborn genetic diseases. Identifiers: MedGen C0950123, MeSH D030342.

Allele frequency attached by ClinVar (database versions not stated): gnomAD exomes below 0.00001; TOPMed below 0.00001; gnomAD 0.00001.
gnomAD v4.1: 2 of 1,473,640 alleles (0.00014%); highest among the groups gnomAD compares: Non-Finnish European, 0.00018%; no homozygotes.

Submissions (3):

ClinGen Myeloid Malignancy Variant Curation Expert Panel
Classification: Likely benign for Hereditary thrombocytopenia and hematologic cancer predisposition syndrome. Last evaluated: 2021-01-12. Review status: reviewed by expert panel. Criteria: ClinGen MyeloMalig ACMG Specifications v1. Collection method: curation. Allele origin: germline. Inheritance: Autosomal dominant inheritance.
Comment: This synonymous variant is predicted by SSF, MES, and SpliceAI to lead to either no change/an increase/a decrease by no more than 10% in the canonical splice site score and no putative cryptic splice sites are created; in addition, evolutionary conservation prediction algorithms predict the site as not being highly conserved (PhyloP score = 0.223181 in GRCh37/0.744953 in GRCh38 or the variant is the reference nucleotide in one primate and/or three mammal species) (BP4+BP7). In summary, this variant meets criteria to be classified as likely benign. ACMG/AMP criteria applied, as specified by the ClinGen Myeloid Malignancy Variant Curation Expert Panel for RUNX1: BP4 and BP7.

Ambry Genetics
Classification: Likely benign for Inborn genetic diseases. Last evaluated: 2025-05-29. Review status: criteria provided, single submitter. Criteria: Ambry Variant Classification Scheme 2023. Collection method: clinical testing. Allele origin: germline. Not counted in ClinVar's aggregate classification.

Labcorp Genetics (formerly Invitae), Labcorp
Classification: Likely benign for Hereditary thrombocytopenia and hematological cancer predisposition syndrome associated with RUNX1. Last evaluated: 2024-10-24. Review status: criteria provided, single submitter. Criteria: Invitae Variant Classification Sherloc (09022015). Collection method: clinical testing. Allele origin: germline. Not counted in ClinVar's aggregate classification.

NM_001754.5(RUNX1):c.1440C>T (p.Tyr480=)

Gene: RUNX1 (RUNX family transcription factor 1; minus strand). Cytogenetic location: 21q22.12.
Variant type: single nucleotide variant.
Coding change: c.1440C>T on transcript NM_001754.5 (MANE Select); coding-DNA position 1440, C replaced by T.
Protein change: p.Tyr480=; no amino-acid change (tyrosine 480 retained).
Molecular consequence: synonymous variant.
Genome position (GRCh38, 1-based): chr21:34,792,138, G>A on the plus strand (C>T on the coding strand, the complement: RUNX1 is on the minus strand). VCF-style: chr21-34792138-G-A. GRCh37 (hg19) VCF-style: chr21-36164435-G-A.
Other names: c.1359C>T, p.Tyr453= (NM_001001890.3).
Identifiers: ClinVar variation 463985 (VCV000463985.11), dbSNP rs1555884783, ClinGen allele CA512232098.